The following is an entry in ClinVar:

NM_004281.4(BAG3):c.803C>A (p.Ser268Ter)

Gene: BAG3 (BAG cochaperone 3; plus strand). Cytogenetic location: 10q26.11.
Variant type: single nucleotide variant.
Coding change: c.803C>A on transcript NM_004281.4 (MANE Select); coding-DNA position 803, C replaced by A.
Protein change: p.Ser268Ter; replaces serine 268 with a stop codon.
Molecular consequence: nonsense.
Genome position (GRCh38, 1-based): chr10:119,672,550, C>A. VCF-style: chr10-119672550-C-A. GRCh37 (hg19) VCF-style: chr10-121432062-C-A.
Other names: short protein forms S268*.
Identifiers: ClinVar variation 2938103 (VCV002938103.3), dbSNP rs2494014414, ClinGen allele CA378295830.
Genomic context (GRCh38, chr10:119,672,550, plus strand): 5'-ACAAGATCCAGGGGGATGACTGGGAGCCCCGGCCCCTGCGGGCGGCATCCCCGTTCAGGT[C>A]ATCTGTCCAGGGTGCATCGAGCCGGGAGGGCTCACCAGCCAGGAGCAGCACGCCACTCCA-3'

ClinVar aggregate classification (germline): Pathogenic (1 of 4 stars; one submission).

Conditions:
Myofibrillar myopathy 6. Identifiers: Orphanet 199340, MedGen C2751831, MONDO:0013061, OMIM 612954.
Dilated cardiomyopathy 1HH (CMD1HH). Identifiers: Orphanet 154, MedGen C3151293, MONDO:0013479, OMIM 613881.

Submission:

Labcorp Genetics (formerly Invitae), Labcorp
Classification: Pathogenic for Dilated cardiomyopathy 1HH; Myofibrillar myopathy 6. Last evaluated: 2024-04-16. Review status: criteria provided, single submitter. Criteria: Invitae Variant Classification Sherloc (09022015). Collection method: clinical testing. Allele origin: germline.
Comment: This sequence change creates a premature translational stop signal (p.Ser268*) in the BAG3 gene. It is expected to result in an absent or disrupted protein product. Loss-of-function variants in BAG3 are known to be pathogenic (PMID: 21353195, 25008357). This variant is not present in population databases (gnomAD no frequency). This premature translational stop signal has been observed in individual(s) with sudden cardiac arrest (PMID: 30975432). Algorithms developed to predict the effect of sequence changes on RNA splicing suggest that this variant may disrupt the consensus splice site. For these reasons, this variant has been classified as Pathogenic.

Literature cited by the submitters: PubMed 21353195; PubMed 25008357; PubMed 30975432.